The following is an entry in ClinVar:

ClinVar aggregate classification (germline): Uncertain significance. Review status: criteria provided, single submitter (1 of 4 stars). 2 submissions from 2 submitters: Uncertain significance (1). 1 of the submissions does not count toward it.

Conditions:
CFTR-related disorder (CFTR-RD). Also called: CFTR-related disorders; CFTR-related condition. Identifiers: MedGen C5924204, MONDO:7770004.
Bronchiectasis with or without elevated sweat chloride 1 (BESC1). Also called: Cystic Fibrosis-Like Syndrome. Identifiers: Orphanet 60033, MedGen C2749757, MONDO:0008887, OMIM 211400.
Hereditary pancreatitis (PCTT). Also called: Hereditary chronic pancreatitis; PRSS1-Related Hereditary Pancreatitis. Identifiers: Orphanet 676, MedGen C0238339, MONDO:0008185, OMIM 167800.
Cystic fibrosis (CF). Also called: MUCOVISCIDOSIS. Identifiers: Orphanet 586, MedGen C0010674, MONDO:0009061, OMIM 219700. Disease mechanism: loss of function.
Congenital bilateral aplasia of vas deferens from CFTR mutation (CBAVD). Identifiers: Orphanet 48, MedGen C0403814, MONDO:0010178, OMIM 277180. Disease mechanism: loss of function.

gnomAD v4.1: 1 of 1,612,162 alleles (0.000062%); no homozygotes.

Submissions (2):

Juno Genomics, Hangzhou Juno Genomics, Inc
Classification: Uncertain significance for Bronchiectasis with or without elevated sweat chloride 1; Hereditary pancreatitis; Congenital bilateral aplasia of vas deferens from CFTR mutation; Cystic fibrosis. Review status: criteria provided, single submitter. Criteria: ACMG Guidelines, 2015. Collection method: clinical testing. Allele origin: germline.
Comment: Absent from controls (or at extremely low frequency if recessive) in Genome Aggregation Database.;Multiple lines of computational evidence support a deleterious effect on the gene or gene product.

Natera, Inc.
Classification: Uncertain significance for CFTR-related disorders. Last evaluated: 2025-01-06. Review status: no assertion criteria provided. Collection method: clinical testing. Allele origin: germline. Not counted in ClinVar's aggregate classification.

NM_000492.4(CFTR):c.3440T>C (p.Val1147Ala)

Genes: CFTR (CF transmembrane conductance regulator; plus strand), CFTR-AS2 (CFTR antisense RNA 2; minus strand). Cytogenetic location: 7q31.2.
Variant type: single nucleotide variant.
Coding change: c.3440T>C on transcript NM_000492.4 (MANE Select); coding-DNA position 3440, T replaced by C.
Protein change: p.Val1147Ala; replaces valine 1147 with alanine.
Molecular consequence: missense variant.
Genome position (GRCh38, 1-based): chr7:117,614,685, T>C. VCF-style: chr7-117614685-T-C. GRCh37 (hg19) VCF-style: chr7-117254739-T-C.
Other names: short protein forms V1147A.
Identifiers: ClinVar variation 4064662 (VCV004064662.3).